The following is an entry in ClinVar:

NM_153704.6(TMEM67):c.167A>T (p.Asp56Val)

Gene: TMEM67 (transmembrane protein 67; plus strand). Cytogenetic location: 8q22.1.
Variant type: single nucleotide variant.
Coding change: c.167A>T on transcript NM_153704.6 (MANE Select); coding-DNA position 167, A replaced by T.
Protein change: p.Asp56Val; replaces aspartic acid 56 with valine.
Molecular consequence: missense variant. On other transcripts: 5 prime UTR variant (1), non-coding transcript variant (1).
Genome position (GRCh38, 1-based): chr8:93,755,081, A>T. VCF-style: chr8-93755081-A-T. GRCh37 (hg19) VCF-style: chr8-94767309-A-T.
Other names: c.-118A>T (NM_001142301.1); short protein forms D56V.
Identifiers: ClinVar variation 1968666 (VCV001968666.5), dbSNP rs1812506710, ClinGen allele CA371685387.
Genomic context (GRCh38, chr8:93,755,081, plus strand): 5'-CCCAGACCTTCTCTTTCCCTTTCCAGCAGCCGGAGAAGTGCGACAACAACCAGTACTTTG[A>T]TATCTCCGCCCTCTCGTGTGTTCCTTGTGGAGCTAACCAGAGGCAAGATGCCCGAGGTAA-3'
Protein context (NP_714915.3, residues 46-66): PEKCDNNQYF[Asp56Val]ISALSCVPCG

ClinVar aggregate classification (germline): Uncertain significance (1 of 4 stars; one submission).

Conditions:
Joubert syndrome. Also called: CEREBELLOPARENCHYMAL DISORDER IV; JOUBERT-BOLTSHAUSER SYNDROME; Familial aplasia of the vermis. Identifiers: Orphanet 475, MedGen C5979921, MONDO:0018772.
Meckel-Gruber syndrome. Also called: DYSENCEPHALIA SPLANCHNOCYSTICA; GRUBER SYNDROME; Dysencephalia splachnocystica. Identifiers: Orphanet 564, MedGen C0265215, MONDO:0018921.

Submission:

Labcorp Genetics (formerly Invitae), Labcorp
Classification: Uncertain significance for Joubert syndrome; Meckel-Gruber syndrome. Last evaluated: 2022-03-15. Review status: criteria provided, single submitter. Criteria: Invitae Variant Classification Sherloc (09022015). Collection method: clinical testing. Allele origin: germline.
Comment: In summary, the available evidence is currently insufficient to determine the role of this variant in disease. Therefore, it has been classified as a Variant of Uncertain Significance. Advanced modeling of protein sequence and biophysical properties (such as structural, functional, and spatial information, amino acid conservation, physicochemical variation, residue mobility, and thermodynamic stability) performed at Invitae indicates that this missense variant is expected to disrupt TMEM67 protein function. This variant has not been reported in the literature in individuals affected with TMEM67-related conditions. This variant is not present in population databases (gnomAD no frequency). This sequence change replaces aspartic acid, which is acidic and polar, with valine, which is neutral and non-polar, at codon 56 of the TMEM67 protein (p.Asp56Val).